The following is an entry in ClinVar:

NM_002471.4(MYH6):c.2143A>G (p.Ile715Val)

Gene: MYH6 (myosin heavy chain 6; minus strand). Cytogenetic location: 14q11.2.
Variant type: single nucleotide variant.
Coding change: c.2143A>G on transcript NM_002471.4 (MANE Select); coding-DNA position 2143, A replaced by G.
Protein change: p.Ile715Val; replaces isoleucine 715 with valine.
Molecular consequence: missense variant.
Genome position (GRCh38, 1-based): chr14:23,396,988, T>C on the plus strand (A>G on the coding strand, the complement: MYH6 is on the minus strand). VCF-style: chr14-23396988-T-C. GRCh37 (hg19) VCF-style: chr14-23866197-T-C.
Other names: short protein forms I715V.
Identifiers: ClinVar variation 2197959 (VCV002197959.9), dbSNP rs772374378, ClinGen allele CA7115579.

ClinVar aggregate classification (germline): Conflicting classifications of pathogenicity. Review status: criteria provided, conflicting classifications (1 of 4 stars). 2 submissions from 2 submitters: Uncertain significance (1); Likely benign (1). Last evaluated 2026-03-27.

Conditions:
Cardiovascular phenotype. Identifiers: MedGen CN230736.
Hypertrophic cardiomyopathy 14. Identifiers: MedGen C2750467, MONDO:0013197, OMIM 613251.

Allele frequency attached by ClinVar (database versions not stated): gnomAD 0.00002; ExAC 0.00002; TOPMed 0.00002.
gnomAD v4.1: 10 of 1,613,370 alleles (0.00062%); highest among the groups gnomAD compares: Non-Finnish European, 0.00085%; no homozygotes.

Submissions (2):

Ambry Genetics
Classification: Likely benign for Cardiovascular phenotype. Last evaluated: 2026-03-27. Review status: criteria provided, single submitter. Criteria: Ambry Variant Classification Scheme 2023. Collection method: clinical testing. Allele origin: germline.

Labcorp Genetics (formerly Invitae), Labcorp
Classification: Uncertain significance for Hypertrophic cardiomyopathy 14. Last evaluated: 2024-03-28. Review status: criteria provided, single submitter. Criteria: Invitae Variant Classification Sherloc (09022015). Collection method: clinical testing. Allele origin: germline.
Comment: This sequence change replaces isoleucine, which is neutral and non-polar, with valine, which is neutral and non-polar, at codon 715 of the MYH6 protein (p.Ile715Val). This variant is present in population databases (rs772374378, gnomAD 0.003%). This variant has not been reported in the literature in individuals affected with MYH6-related conditions. ClinVar contains an entry for this variant (Variation ID: 2197959). Advanced modeling of protein sequence and biophysical properties (such as structural, functional, and spatial information, amino acid conservation, physicochemical variation, residue mobility, and thermodynamic stability) performed at Invitae indicates that this missense variant is not expected to disrupt MYH6 protein function with a negative predictive value of 80%. In summary, the available evidence is currently insufficient to determine the role of this variant in disease. Therefore, it has been classified as a Variant of Uncertain Significance.